The following is an entry in ClinVar:

ClinVar aggregate classification (germline): Uncertain significance. Review status: criteria provided, multiple submitters, no conflicts (2 of 4 stars). 2 submissions from 2 submitters: Uncertain significance (2). Last evaluated 2025-08-29.

Conditions:
Inborn genetic diseases. Identifiers: MedGen C0950123, MeSH D030342.

Allele frequency attached by ClinVar (database versions not stated): gnomAD 0.00003 and 0.00004; TOPMed 0.00004.
gnomAD v4.1: 83 of 1,613,044 alleles (0.0051%); highest among the groups gnomAD compares: Non-Finnish European, 0.0064%; no homozygotes.

Submissions (2):

Ambry Genetics
Classification: Uncertain significance for Inborn genetic diseases. Last evaluated: 2025-08-29. Review status: criteria provided, single submitter. Criteria: Ambry Variant Classification Scheme 2023. Collection method: clinical testing. Allele origin: germline.

Labcorp Genetics (formerly Invitae), Labcorp
Classification: Uncertain significance. Last evaluated: 2025-02-08. Review status: criteria provided, single submitter. Criteria: Invitae Variant Classification Sherloc (09022015). Collection method: clinical testing. Allele origin: germline.
Comment: This sequence change replaces glycine, which is neutral and non-polar, with alanine, which is neutral and non-polar, at codon 3243 of the DCHS1 protein (p.Gly3243Ala). This variant is present in population databases (rs778012430, gnomAD 0.004%). This variant has not been reported in the literature in individuals affected with DCHS1-related conditions. ClinVar contains an entry for this variant (Variation ID: 1468004). Invitae Evidence Modeling of protein sequence and biophysical properties (such as structural, functional, and spatial information, amino acid conservation, physicochemical variation, residue mobility, and thermodynamic stability) indicates that this missense variant is not expected to disrupt DCHS1 protein function with a negative predictive value of 95%. In summary, the available evidence is currently insufficient to determine the role of this variant in disease. Therefore, it has been classified as a Variant of Uncertain Significance.

NM_003737.4(DCHS1):c.9728G>C (p.Gly3243Ala)

Gene: DCHS1 (dachsous cadherin-related 1; minus strand). Cytogenetic location: 11p15.4.
Variant type: single nucleotide variant.
Coding change: c.9728G>C on transcript NM_003737.4 (MANE Select); coding-DNA position 9728, G replaced by C.
Protein change: p.Gly3243Ala; replaces glycine 3243 with alanine.
Molecular consequence: missense variant.
Genome position (GRCh38, 1-based): chr11:6,621,948, C>G on the plus strand (G>C on the coding strand, the complement: DCHS1 is on the minus strand). VCF-style: chr11-6621948-C-G. GRCh37 (hg19) VCF-style: chr11-6643179-C-G.
Other names: c.9728G>C (NM_003737.2); short protein forms G3243A.
Identifiers: ClinVar variation 1468004 (VCV001468004.10), dbSNP rs778012430, ClinGen allele CA5859190.